The following is an entry in ClinVar:

NM_001164508.2(NEB):c.1648A>G (p.Lys550Glu)

Gene: NEB (nebulin; minus strand). Cytogenetic location: 2q23.3.
Variant type: single nucleotide variant.
Coding change: c.1648A>G on transcript NM_001164508.2 (MANE Select); coding-DNA position 1648, A replaced by G.
Protein change: p.Lys550Glu; replaces lysine 550 with glutamic acid.
Molecular consequence: missense variant.
Genome position (GRCh38, 1-based): chr2:151,695,604, T>C on the plus strand (A>G on the coding strand, the complement: NEB is on the minus strand). VCF-style: chr2-151695604-T-C. GRCh37 (hg19) VCF-style: chr2-152552118-T-C.
Other names: c.1648A>G, p.Lys550Glu (NM_001164507.2, NM_001271208.2, NM_004543.5); short protein forms K550E.
Identifiers: ClinVar variation 534024 (VCV000534024.11), dbSNP rs756920047, ClinGen allele CA1911500.
Genomic context (GRCh38, chr2:151,695,604, plus strand): 5'-GTACATCACATGGTACAGGGCATAAGGAACTTACATCACTCAAGTTATAGGCATTGACTT[T>C]GTGCTGGATAAAAGCAGGAGTATCAGGGGGGATATGGCACTTGAACTTTTCACTTTCATG-3'
Protein context (NP_001157980.2, residues 540-560): PPDTPAFIQH[Lys550Glu]VNAYNLSDNL

ClinVar aggregate classification (germline): Uncertain significance. Review status: criteria provided, single submitter (1 of 4 stars). 2 submissions from 2 submitters: Uncertain significance (1). 1 of the submissions does not count toward it. Last evaluated 2021-09-01.

Conditions:
Nemaline myopathy 2 (NEM2). Also called: Nemaline myopathy 2, autosomal recessive. Identifiers: MedGen C1850569, MONDO:0009725, OMIM 256030.

Allele frequency attached by ClinVar (database versions not stated): gnomAD exomes below 0.00001; ExAC 0.00001; gnomAD 0.00001; TOPMed 0.00001.
gnomAD v4.1: 3 of 1,613,738 alleles (0.00019%); highest among the groups gnomAD compares: Admixed American, 0.005%; no homozygotes.

Submissions (2):

Labcorp Genetics (formerly Invitae), Labcorp
Classification: Uncertain significance for Nemaline myopathy 2. Last evaluated: 2021-09-01. Review status: criteria provided, single submitter. Criteria: Invitae Variant Classification Sherloc (09022015). Collection method: clinical testing. Allele origin: germline.
Comment: This sequence change replaces lysine with glutamic acid at codon 550 of the NEB protein (p.Lys550Glu). The lysine residue is weakly conserved and there is a small physicochemical difference between lysine and glutamic acid. The frequency data for this variant in the population databases is considered unreliable, as metrics indicate poor data quality at this position in the ExAC database. This variant has not been reported in the literature in individuals affected with NEB-related conditions. ClinVar contains an entry for this variant (Variation ID: 534024). Algorithms developed to predict the effect of missense changes on protein structure and function are either unavailable or do not agree on the potential impact of this missense change (SIFT: "Deleterious"; PolyPhen-2: "Not Available"; Align-GVGD: "Class C0"). In summary, the available evidence is currently insufficient to determine the role of this variant in disease. Therefore, it has been classified as a Variant of Uncertain Significance.

Natera, Inc.
Classification: Uncertain significance for Nemaline myopathy type 2. Last evaluated: 2021-03-01. Review status: no assertion criteria provided. Collection method: clinical testing. Allele origin: germline. Not counted in ClinVar's aggregate classification.